The following is an entry in ClinVar:

NM_014314.4(RIGI):c.954-3C>G

Gene: RIGI (RNA sensor RIG-I; minus strand). Cytogenetic location: 9p21.1.
Variant type: single nucleotide variant.
Coding change: c.954-3C>G on transcript NM_014314.4 (MANE Select); 3 bases into the intron before coding-DNA position 954, C replaced by G.
Molecular consequence: intron variant.
Genome position (GRCh38, 1-based): chr9:32,488,206, G>C on the plus strand (C>G on the coding strand, the complement: RIGI is on the minus strand). VCF-style: chr9-32488206-G-C. GRCh37 (hg19) VCF-style: chr9-32488204-G-C.
Other names: c.345-3C>G (NM_001385912.1); c.939-3C>G (NM_001385913.1); c.954-9C>G (NM_001385907.1); c.954-3C>G (NM_001385909.1); c.510-3C>G (NM_001385914.1); c.513-3C>G (NM_001385910.1).
Identifiers: ClinVar variation 2772109 (VCV002772109.3), dbSNP rs2489331667, ClinGen allele CA2697557686.

ClinVar aggregate classification (germline): Uncertain significance (1 of 4 stars; one submission).

Submission:

Labcorp Genetics (formerly Invitae), Labcorp
Classification: Uncertain significance. Last evaluated: 2023-10-27. Review status: criteria provided, single submitter. Criteria: Invitae Variant Classification Sherloc (09022015). Collection method: clinical testing. Allele origin: germline.
Comment: This sequence change falls in intron 7 of the DDX58 gene. It does not directly change the encoded amino acid sequence of the DDX58 protein. It affects a nucleotide within the consensus splice site. This variant is not present in population databases (gnomAD no frequency). This variant has not been reported in the literature in individuals affected with DDX58-related conditions. Variants that disrupt the consensus splice site are a relatively common cause of aberrant splicing (PMID: 17576681, 9536098). Algorithms developed to predict the effect of sequence changes on RNA splicing suggest that this variant may disrupt the consensus splice site. In summary, the available evidence is currently insufficient to determine the role of this variant in disease. Therefore, it has been classified as a Variant of Uncertain Significance.

Literature cited by the submitters: PubMed 17576681; PubMed 9536098.